The following is an entry in ClinVar:

NM_020771.4(HACE1):c.402+5G>A

Gene: HACE1 (HECT domain and ankyrin repeat containing E3 ubiquitin protein ligase 1; minus strand). Cytogenetic location: 6q16.3.
Variant type: single nucleotide variant.
Coding change: c.402+5G>A on transcript NM_020771.4 (MANE Select); 5 bases into the intron after coding-DNA position 402, G replaced by A.
Molecular consequence: intron variant.
Genome position (GRCh38, 1-based): chr6:104,843,218, C>T on the plus strand (G>A on the coding strand, the complement: HACE1 is on the minus strand). VCF-style: chr6-104843218-C-T. GRCh37 (hg19) VCF-style: chr6-105291093-C-T.
Other names: c.326+5924G>A (NM_001350555.2); c.-250+5924G>A (NM_001350560.2); c.-20+5924G>A (NM_001350557.2); c.-85+5924G>A (NM_001350556.2); c.35+5G>A (NM_001350559.2); c.402+5G>A (NM_001321080.2); c.-20+5G>A (NM_001350558.2, NM_001321084.2); c.300+5G>A (NM_001350554.2, NM_001321083.2).
Identifiers: ClinVar variation 984703 (VCV000984703.2), dbSNP rs1316982922, ClinGen allele CA569111179.
Genomic context (GRCh38, chr6:104,843,218, plus strand): 5'-GTCACATTCAATATCATTTTCTAAAACATACTTTTAAAACATCAGATGAAATTGATAGCA[C>T]TTACTGCTGTAAGGCCTTCATTATTACAAATGTTGACATCAGCGCTATATTCTAATAATT-3'

ClinVar aggregate classification (germline): Uncertain significance. Review status: criteria provided, multiple submitters, no conflicts (2 of 4 stars). 2 submissions from 2 submitters: Uncertain significance (2). Last evaluated 2024-09-25.

Conditions:
Spastic paraplegia-severe developmental delay-epilepsy syndrome. Also called: Spastic paraplegia and psychomotor retardation with or without seizures. Identifiers: Orphanet 464282, MedGen C4225215, MONDO:0014764, OMIM 616756.

Allele frequency attached by ClinVar (database versions not stated): gnomAD exomes below 0.00001.
gnomAD v4.1: 1 of 1,344,946 alleles (0.000074%); no homozygotes.

Submissions (2):

3billion
Classification: Uncertain significance for Spastic paraplegia-severe developmental delay-epilepsy syndrome. Last evaluated: 2024-09-25. Review status: criteria provided, single submitter. Criteria: ACMG Guidelines, 2015. Collection method: clinical testing. Allele origin: germline. Affected: yes.
Comment: The variant is observed at an extremely low frequency in the gnomAD v4.0.0 dataset (total allele frequency: <0.001%). Predicted Consequence/Location: Intron variant In silico tools predict the variant to alter splicing and produce an abnormal transcript [SpliceAI: 0.97 (>=0.2, moderate evidence for spliceogenicity)]. The variant has been reported to be associated with HACE1 related disorder (PMID: 28097321). However, the evidence of pathogenicity is insufficient at this time. Therefore, this variant is classified as VUS according to the recommendation of ACMG/AMP guideline.

Institute of Human Genetics, University of Leipzig Medical Center
Classification: Uncertain significance for Spastic paraplegia-severe developmental delay-epilepsy syndrome. Last evaluated: 2020-03-01. Review status: criteria provided, single submitter. Criteria: ACMG Guidelines, 2015. Collection method: clinical testing. Allele origin: biparental. Inheritance: Autosomal recessive inheritance. Affected: yes.
Comment: Review of the variants reported in Reuter et al., 2017, PMID: 28097321: PM2,PM3_Supporting,PP3,(PP1)

Literature cited by the submitters: PubMed 28097321 (cited by 3billion).